The following is an entry in ClinVar:

NM_002335.4(LRP5):c.1193G>C (p.Arg398Pro)

Gene: LRP5 (LDL receptor related protein 5; plus strand). Cytogenetic location: 11q13.2.
Variant type: single nucleotide variant.
Coding change: c.1193G>C on transcript NM_002335.4 (MANE Select); coding-DNA position 1193, G replaced by C.
Protein change: p.Arg398Pro; replaces arginine 398 with proline.
Molecular consequence: missense variant. On other transcripts: 5 prime UTR variant (1).
Genome position (GRCh38, 1-based): chr11:68,386,493, G>C. VCF-style: chr11-68386493-G-C. GRCh37 (hg19) VCF-style: chr11-68153961-G-C.
Other names: c.-573G>C (NM_001291902.2); short protein forms R398P.
Identifiers: ClinVar variation 4800451 (VCV004800451.1).

ClinVar aggregate classification (germline): Uncertain significance (1 of 4 stars; one submission).

Submission:

Labcorp Genetics (formerly Invitae), Labcorp
Classification: Uncertain significance. Last evaluated: 2025-06-09. Review status: criteria provided, single submitter. Criteria: Invitae Variant Classification Sherloc (09022015). Collection method: clinical testing. Allele origin: germline.
Comment: This sequence change replaces arginine, which is basic and polar, with proline, which is neutral and non-polar, at codon 398 of the LRP5 protein (p.Arg398Pro). This variant is not present in population databases (gnomAD no frequency). This variant has not been reported in the literature in individuals affected with LRP5-related conditions. Invitae Evidence Modeling of protein sequence and biophysical properties (such as structural, functional, and spatial information, amino acid conservation, physicochemical variation, residue mobility, and thermodynamic stability) has been performed for this missense variant. However, the output from this modeling did not meet the statistical confidence thresholds required to predict the impact of this variant on LRP5 protein function. This variant disrupts the p.Arg398 amino acid residue in LRP5. Other variant(s) that disrupt this residue have been determined to be pathogenic (PMID: 30452590, 31106028, 31169861, 31237656). This suggests that this residue is clinically significant, and that variants that disrupt this residue are likely to be disease-causing. In summary, the available evidence is currently insufficient to determine the role of this variant in disease. Therefore, it has been classified as a Variant of Uncertain Significance.

Literature cited by the submitters: PubMed 30452590; PubMed 31106028; PubMed 31169861; PubMed 31237656.